The following is an entry in ClinVar:

ClinVar aggregate classification (germline): Uncertain significance (1 of 4 stars; one submission).

Conditions:
Dilated cardiomyopathy 1DD (CMD1DD). Identifiers: Orphanet 154, MedGen C2750995, MONDO:0013168, OMIM 613172.

Submission:

Labcorp Genetics (formerly Invitae), Labcorp
Classification: Uncertain significance for Dilated cardiomyopathy 1DD. Last evaluated: 2025-07-13. Review status: criteria provided, single submitter. Criteria: Invitae Variant Classification Sherloc (09022015). Collection method: clinical testing. Allele origin: germline.
Comment: This sequence change replaces glycine, which is neutral and non-polar, with alanine, which is neutral and non-polar, at codon 379 of the RBM20 protein (p.Gly379Ala). This variant is not present in population databases (gnomAD no frequency). This variant has not been reported in the literature in individuals affected with RBM20-related conditions. Invitae Evidence Modeling of protein sequence and biophysical properties (such as structural, functional, and spatial information, amino acid conservation, physicochemical variation, residue mobility, and thermodynamic stability) indicates that this missense variant is not expected to disrupt RBM20 protein function with a negative predictive value of 95%. In summary, the available evidence is currently insufficient to determine the role of this variant in disease. Therefore, it has been classified as a Variant of Uncertain Significance.

NM_001134363.3(RBM20):c.1136G>C (p.Gly379Ala)

Gene: RBM20 (RNA binding motif protein 20; plus strand). Cytogenetic location: 10q25.2.
Variant type: single nucleotide variant.
Coding change: c.1136G>C on transcript NM_001134363.3 (MANE Select); coding-DNA position 1136, G replaced by C.
Protein change: p.Gly379Ala; replaces glycine 379 with alanine.
Molecular consequence: missense variant.
Genome position (GRCh38, 1-based): chr10:110,781,745, G>C. VCF-style: chr10-110781745-G-C. GRCh37 (hg19) VCF-style: chr10-112541503-G-C.
Other names: short protein forms G379A.
Identifiers: ClinVar variation 4763080 (VCV004763080.1).
Genomic context (GRCh38, chr10:110,781,745, plus strand): 5'-GGACACCTCCTTCCTTCGGGGGTCGGCTTAACAACAGCAAACAGGGTTTTATCGGTGCTG[G>C]GCGGAGGGCCAAGGAGGACCAGGCGTTGCTATCTGTGCGGCCCCTGCAGGCTCATGAGCT-3'
Protein context (NP_001127835.2, residues 369-389): NNSKQGFIGA[Gly379Ala]RRAKEDQALL